The following is an entry in ClinVar:

ClinVar aggregate classification (germline): Uncertain significance. Review status: criteria provided, multiple submitters, no conflicts (2 of 4 stars). 2 submissions from 2 submitters: Uncertain significance (2). Last evaluated 2025-07-01.

Submissions (2):

CeGaT Center for Human Genetics Tuebingen
Classification: Uncertain significance. Last evaluated: 2025-07-01. Review status: criteria provided, single submitter. Criteria: CeGaT Center For Human Genetics Tuebingen Variant Classification Criteria Version 2. Collection method: clinical testing. Allele origin: germline. Affected: yes. Observed: 1 variant allele.
Comment: COMP: PM2, PP2

Labcorp Genetics (formerly Invitae), Labcorp
Classification: Uncertain significance. Last evaluated: 2024-04-10. Review status: criteria provided, single submitter. Criteria: Invitae Variant Classification Sherloc (09022015). Collection method: clinical testing. Allele origin: germline.
Comment: This sequence change replaces threonine, which is neutral and polar, with alanine, which is neutral and non-polar, at codon 80 of the COMP protein (p.Thr80Ala). This variant is not present in population databases (gnomAD no frequency). This variant has not been reported in the literature in individuals affected with COMP-related conditions. Advanced modeling of protein sequence and biophysical properties (such as structural, functional, and spatial information, amino acid conservation, physicochemical variation, residue mobility, and thermodynamic stability) has been performed at Invitae for this missense variant, however the output from this modeling did not meet the statistical confidence thresholds required to predict the impact of this variant on COMP protein function. In summary, the available evidence is currently insufficient to determine the role of this variant in disease. Therefore, it has been classified as a Variant of Uncertain Significance.

NM_000095.3(COMP):c.238A>G (p.Thr80Ala)

Gene: COMP (cartilage oligomeric matrix protein; minus strand). Cytogenetic location: 19p13.11.
Variant type: single nucleotide variant.
Coding change: c.238A>G on transcript NM_000095.3 (MANE Select); coding-DNA position 238, A replaced by G.
Protein change: p.Thr80Ala; replaces threonine 80 with alanine.
Molecular consequence: missense variant.
Genome position (GRCh38, 1-based): chr19:18,790,094, T>C on the plus strand (A>G on the coding strand, the complement: COMP is on the minus strand). VCF-style: chr19-18790094-T-C. GRCh37 (hg19) VCF-style: chr19-18900903-T-C.
Other names: short protein forms T80A.
Identifiers: ClinVar variation 2707442 (VCV002707442.11), dbSNP rs2512854508, ClinGen allele CA404898901.
Genomic context (GRCh38, chr19:18,790,094, plus strand): 5'-CGCCGGGGAAGCAGAAGCCGGGCGCGCAGTGGAGCAGGGGCCGCACGCTGGGTAGGCCGG[T>C]GCGTACTGACTGCTGCATCCCTGCGGGGGGGAGGGGGGAGAAGCGGCGGGGCTGATCGGT-3'
Protein context (NP_000086.2, residues 70-90): DACGMQQSVR[Thr80Ala]GLPSVRPLLH